The following is an entry in ClinVar:

ClinVar aggregate classification (germline): Pathogenic (1 of 4 stars; one submission).

Allele frequency attached by ClinVar (database versions not stated): gnomAD 0.00001; TOPMed 0.00002; gnomAD exomes 0.00003; ExAC 0.00013; 1000 Genomes Project 30x 0.00016; 1000 Genomes Project 0.00020.
gnomAD v4.1: 45 of 1,522,290 alleles (0.003%); highest among the groups gnomAD compares: Admixed American, 0.016%; no homozygotes.

Submission:

Labcorp Genetics (formerly Invitae), Labcorp
Classification: Pathogenic. Last evaluated: 2022-06-28. Review status: criteria provided, single submitter. Criteria: Invitae Variant Classification Sherloc (09022015). Collection method: clinical testing. Allele origin: germline.
Comment: This sequence change creates a premature translational stop signal (p.Gln1104*) in the DNHD1 gene. It is expected to result in an absent or disrupted protein product. Loss-of-function variants in DNHD1 are known to be pathogenic (PMID: 34932939). This variant is present in population databases (rs567990186, gnomAD 0.03%). This variant has not been reported in the literature in individuals affected with DNHD1-related conditions. For these reasons, this variant has been classified as Pathogenic.

Literature cited by the submitters: PubMed 34932939.

NM_144666.3(DNHD1):c.3310C>T (p.Gln1104Ter)

Gene: DNHD1 (dynein heavy chain domain 1; plus strand). Cytogenetic location: 11p15.4.
Variant type: single nucleotide variant.
Coding change: c.3310C>T on transcript NM_144666.3 (MANE Select); coding-DNA position 3310, C replaced by T.
Protein change: p.Gln1104Ter; replaces glutamine 1104 with a stop codon.
Molecular consequence: nonsense.
Genome position (GRCh38, 1-based): chr11:6,538,795, C>T. VCF-style: chr11-6538795-C-T. GRCh37 (hg19) VCF-style: chr11-6560025-C-T.
Other names: short protein forms Q1104*.
Identifiers: ClinVar variation 2064312 (VCV002064312.1), dbSNP rs567990186, ClinGen allele CA5855879.